The following is an entry in ClinVar:

NM_001211.6(BUB1B):c.1675G>A (p.Ala559Thr)

Gene: BUB1B (BUB1 mitotic checkpoint serine/threonine kinase B; plus strand). Cytogenetic location: 15q15.1.
Variant type: single nucleotide variant.
Coding change: c.1675G>A on transcript NM_001211.6 (MANE Select); coding-DNA position 1675, G replaced by A.
Protein change: p.Ala559Thr; replaces alanine 559 with threonine.
Molecular consequence: missense variant.
Genome position (GRCh38, 1-based): chr15:40,202,635, G>A. VCF-style: chr15-40202635-G-A. GRCh37 (hg19) VCF-style: chr15-40494836-G-A.
Other names: short protein forms A559T.
Identifiers: ClinVar variation 3221357 (VCV003221357.1), dbSNP rs764336262, ClinGen allele CA7475860.

ClinVar aggregate classification (germline): Uncertain significance (1 of 4 stars; one submission).

Conditions:
Inborn genetic diseases. Identifiers: MedGen C0950123, MeSH D030342.

Allele frequency attached by ClinVar (database versions not stated): TOPMed below 0.00001; ExAC 0.00001; gnomAD exomes 0.00001.
gnomAD v4.1: 3 of 1,614,102 alleles (0.00019%); highest among the groups gnomAD compares: East Asian, 0.0022%; no homozygotes.

Submission:

Ambry Genetics
Classification: Uncertain significance for Inborn genetic diseases. Last evaluated: 2023-09-21. Review status: criteria provided, single submitter. Criteria: Ambry Variant Classification Scheme 2023. Collection method: clinical testing. Allele origin: germline.
Comment: The p.A559T variant (also known as c.1675G>A), located in coding exon 14 of the BUB1B gene, results from a G to A substitution at nucleotide position 1675. The alanine at codon 559 is replaced by threonine, an amino acid with similar properties. This amino acid position is conserved. In addition, this alteration is predicted to be tolerated by in silico analysis. Since supporting evidence is limited at this time, the clinical significance of this alteration remains unclear.